The following is an entry in ClinVar:

NM_138927.4(SON):c.3653del (p.Ser1218fs)

Gene: SON (SON DNA and RNA binding protein; plus strand). Cytogenetic location: 21q22.11.
Variant type: Deletion.
Coding change: c.3653del on transcript NM_138927.4 (MANE Select); coding-DNA position 3653, one base deleted (G; older notation c.3653delG).
Protein change: p.Ser1218fs; shifts the reading frame from serine 1218.
Molecular consequence: frameshift variant. On other transcripts: non-coding transcript variant (1), intron variant (1).
Genome position (GRCh38, 1-based): chr21:33,552,884, G deleted. VCF-style (leftmost placement, unchanged base first): chr21-33552883-AG-A. GRCh37 (hg19) VCF-style: chr21-34925189-AG-A.
Other names: c.3653del, p.Ser1218fs (NM_001291411.2, NM_032195.3); c.245-4272del (NM_001291412.3); c.3653delG (NM_032195.2); short protein forms S1218fs.
Identifiers: ClinVar variation 817172 (VCV000817172.1), dbSNP rs1601265607, ClinGen allele CA915953126.
Genomic context (GRCh38, chr21:33,552,883, plus strand): 5'-GAGGTGCCATCATCACCATCTGAAGAGTCTGTATCGCAGCCTGAGCCTCCTGTGAGTCAA[AG>A]TGAGATTTCGGAGCCTTCAGCAGTGCCTACTGATTATTCAGTGTCAGCATCAGATCCCTC-3'

ClinVar aggregate classification (germline): Pathogenic (1 of 4 stars; one submission).

Submission:

GeneDx
Classification: Pathogenic. Last evaluated: 2018-07-30. Review status: criteria provided, single submitter. Criteria: GeneDx Variant Classification (06012015). Collection method: clinical testing. Allele origin: germline. Affected: yes.
Comment: The c.3653delG variant in the SON gene has not been reported previously as a pathogenic variant nor as a benign variant, to our knowledge. The c.3653delG variant causes a frameshift starting with codon Serine 1218, changes this amino acid to a Methionine residue, and creates a premature Stop codon at position 23 of the new reading frame, denoted p.Ser1218MetfsX23. This variant is predicted to cause loss of normal protein function either through protein truncation or nonsense-mediated mRNA decay. The c.3653delG variant is not observed in large population cohorts (Lek et al., 2016). We interpret c.3653delG as a pathogenic variant.